The following is an entry in ClinVar:

NM_002907.4(RECQL):c.1695_1697del (p.Thr566del)

Genes: PYROXD1 (pyridine nucleotide-disulphide oxidoreductase domain 1; plus strand), RECQL (RecQ like helicase; minus strand). Cytogenetic location: 12p12.1.
Variant type: Deletion.
Coding change: c.1695_1697del on transcript NM_002907.4 (MANE Select); coding-DNA positions 1695 to 1697, 3 bases deleted (TAC; older notation c.1695_1697delTAC).
Protein change: p.Thr566del; deletes threonine 566.
Molecular consequence: inframe deletion. On other transcripts: 3 prime UTR variant (3).
Genome position (GRCh38, 1-based): chr12:21,471,069-21,471,071, GTA deleted on the plus strand (TAC on the coding strand, the reverse complement: RECQL is on the minus strand); deleting any 3 consecutive bases within chr12:21,471,069-21,471,072 gives the same sequence; the c. name uses the placement nearest the transcript's 3' end. VCF-style (leftmost placement, unchanged base first): chr12-21471068-GGTA-G. GRCh37 (hg19) VCF-style: chr12-21624002-GGTA-G.
Other names: c.*2316_*2318del (NM_001350912.2, NM_001350913.2, NM_024854.5); c.1695_1697del, p.Thr566del (NM_032941.3); short protein forms T566del.
Identifiers: ClinVar variation 3222947 (VCV003222947.3), dbSNP rs2540314685, ClinGen allele CA2573054671.

ClinVar aggregate classification (germline): Uncertain significance. Review status: criteria provided, multiple submitters, no conflicts (2 of 4 stars). 2 submissions from 2 submitters: Uncertain significance (2). Last evaluated 2024-06-29.

Submissions (2):

Labcorp Genetics (formerly Invitae), Labcorp
Classification: Uncertain significance. Last evaluated: 2024-06-29. Review status: criteria provided, single submitter. Criteria: Invitae Variant Classification Sherloc (09022015). Collection method: clinical testing. Allele origin: germline.
Comment: This variant, c.1695_1697del, results in the deletion of 1 amino acid(s) of the RECQL protein (p.Thr566del), but otherwise preserves the integrity of the reading frame. This variant is not present in population databases (gnomAD no frequency). This variant has not been reported in the literature in individuals affected with RECQL-related conditions. Experimental studies and prediction algorithms are not available or were not evaluated, and the functional significance of this variant is currently unknown. In summary, the available evidence is currently insufficient to determine the role of this variant in disease. Therefore, it has been classified as a Variant of Uncertain Significance.

Ambry Genetics
Classification: Uncertain significance. Last evaluated: 2024-01-16. Review status: criteria provided, single submitter. Criteria: Ambry Variant Classification Scheme 2023. Collection method: clinical testing. Allele origin: germline.
Comment: The c.1695_1697delTAC variant (also known as p.T566del) is located in coding exon 13 of the RECQL gene. This variant results from an in-frame TAC deletion at nucleotide positions 1695 to 1697. This results in the in-frame deletion of a threonine at codon 566. This amino acid position is highly conserved in available vertebrate species. In addition, this alteration is predicted to be deleterious by in silico analysis (Choi Y et al. PLoS ONE. 2012; 7(10):e46688). The evidence for this gene-disease relationship is limited; therefore, the clinical significance of this alteration is unclear.